The following is an entry in ClinVar:

NC_000005.9:g.(?_473494)_(524437_?)del

Gene: SLC9A3 (solute carrier family 9 member A3). Cytogenetic location: 5p15.33.
Variant type: Deletion.
Identifiers: ClinVar variation 1455912 (VCV001455912.2).

ClinVar aggregate classification (germline): Pathogenic (1 of 4 stars; one submission).

Submission:

Labcorp Genetics (formerly Invitae), Labcorp
Classification: Pathogenic. Last evaluated: 2023-12-12. Review status: criteria provided, single submitter. Criteria: Invitae Variant Classification Sherloc (09022015). Collection method: clinical testing. Allele origin: germline.
Comment: A gross deletion of the genomic region encompassing the full coding sequence of the SLC9A3 gene has been identified. Loss-of-function variants in SLC9A3 are known to be pathogenic (PMID: 26358773). The boundaries of this event are unknown as they extend beyond the assayed region for this gene and therefore may encompass additional genes. A similar copy number variant has been observed in individual(s) with congenital sodium diarrhea (PMID: 26358773). For these reasons, this variant has been classified as Pathogenic.

Literature cited by the submitters: PubMed 26358773.